The following is an entry in ClinVar:

NM_000203.5(IDUA):c.300-7_306del

Gene: IDUA (alpha-L-iduronidase; plus strand). Cytogenetic location: 4p16.3.
Variant type: Deletion.
Coding change: c.300-7_306del on transcript NM_000203.5 (MANE Select); 7 bases into the intron before coding-DNA position 300 through coding-DNA position 306, 14 bases deleted (TCTGCAGGGGGTCC).
Molecular consequence: splice acceptor variant.
Genome position (GRCh38, 1-based): chr4:1,000,605-1,000,618, TCTGCAGGGGGTCC deleted. VCF-style (leftmost placement, unchanged base first): chr4-1000604-TTCTGCAGGGGGTCC-T. GRCh37 (hg19) VCF-style: chr4-994392-TTCTGCAGGGGGTCC-T.
Other names: c.-97-7_-91del (NM_001363576.1).
Identifiers: ClinVar variation 2815608 (VCV002815608.3), dbSNP rs2534077097, ClinGen allele CA2739269984.
Genomic context (GRCh38, chr4:1,000,604, plus strand): 5'-ACGGTTCCAGCCTGGAGCATGGAGCTGTGTGGGCACCCTGCTTCCTGACGCTGACCGTCC[TTCTGCAGGGGGTCC>T]ACTGGACGGGGCCTGAGCTACAACTTCACCCACCTGGACGGGTACCTGGACCTTCTCAGG-3'

ClinVar aggregate classification (germline): Likely pathogenic (1 of 4 stars; one submission).

Conditions:
Mucopolysaccharidosis type 1. Also called: Mucopolysaccharidosis Type I; IDUA deficiency; MPS I. Identifiers: Orphanet 579, MedGen C0023786, MONDO:0001586.

Submission:

Labcorp Genetics (formerly Invitae), Labcorp
Classification: Likely pathogenic for Mucopolysaccharidosis type 1. Last evaluated: 2023-01-13. Review status: criteria provided, single submitter. Criteria: Invitae Variant Classification Sherloc (09022015). Collection method: clinical testing. Allele origin: germline.
Comment: In summary, the currently available evidence indicates that the variant is pathogenic, but additional data are needed to prove that conclusively. Therefore, this variant has been classified as Likely Pathogenic. Algorithms developed to predict the effect of sequence changes on RNA splicing suggest that this variant may disrupt the consensus splice site. This variant has not been reported in the literature in individuals affected with IDUA-related conditions. This variant is not present in population databases (gnomAD no frequency). This variant results in the deletion of part of exon 3 (c.300-7_306del) of the IDUA gene. It is expected to disrupt RNA splicing. Variants that disrupt the donor or acceptor splice site typically lead to a loss of protein function (PMID: 16199547), and loss-of-function variants in IDUA are known to be pathogenic (PMID: 11735025, 21480867).

Literature cited by the submitters: PubMed 16199547; PubMed 11735025; PubMed 21480867.